The following is an entry in ClinVar:

NM_002474.3(MYH11):c.69C>T (p.Ser23=)

Gene: MYH11 (myosin heavy chain 11; minus strand). Cytogenetic location: 16p13.11.
Variant type: single nucleotide variant.
Coding change: c.69C>T on transcript NM_002474.3 (MANE Select); coding-DNA position 69, C replaced by T.
Protein change: p.Ser23=; no amino-acid change (serine 23 retained).
Molecular consequence: synonymous variant.
Genome position (GRCh38, 1-based): chr16:15,838,184, G>A on the plus strand (C>T on the coding strand, the complement: MYH11 is on the minus strand). VCF-style: chr16-15838184-G-A. GRCh37 (hg19) VCF-style: chr16-15932041-G-A.
Other names: c.69C>T, p.Ser23= (NM_001040113.2, NM_001040114.2, NM_022844.3).
Identifiers: ClinVar variation 3072046 (VCV003072046.1), dbSNP rs2507038636, ClinGen allele CA494102644.
Genomic context (GRCh38, chr16:15,838,184, plus strand): 5'-CTGCTTCTCCGAGGGGACCCAGACGAGTCTCTTGGCGGCCCAGTCAGCCTGGGCCACTGG[G>A]CTGTTGATGAAGTTTTTGTCCACAAAGAGGAACTTCTCATCGTCACTGAGTTGGCCCTTC-3'
Protein context (NP_002465.1, residues 13-33): FLFVDKNFIN[Ser23=]PVAQADWAAK

ClinVar aggregate classification (germline): Likely benign (1 of 4 stars; one submission).

Conditions:
Familial thoracic aortic aneurysm and aortic dissection (TAAD). Also called: Thoracic aortic aneurysms and dissections. Identifiers: Orphanet 91387, MedGen C4707243, MONDO:0019625.

Submission:

All of Us Research Program, National Institutes of Health
Classification: Likely benign for Familial thoracic aortic aneurysm and aortic dissection. Last evaluated: 2023-06-26. Review status: criteria provided, single submitter. Criteria: ACMG Guidelines, 2015. Collection method: clinical testing. Allele origin: germline. Inheritance: Autosomal dominant inheritance. Observed: 1 variant allele, 1 heterozygote.
Comment: This study involves interpretation of variants in research participants for the purpose of population health screening. Participant phenotype was not available at the time of variant classification. Additional details can be found in publication PMID: 35346344, PMCID: PMC8962531